The following is an entry in ClinVar:

NM_001127208.3(TET2):c.2416C>G (p.Leu806Val)

Genes: TET2 (tet methylcytosine dioxygenase 2; plus strand), TET2-AS1 (TET2 antisense RNA 1; minus strand). Cytogenetic location: 4q24.
Variant type: single nucleotide variant.
Coding change: c.2416C>G on transcript NM_001127208.3 (MANE Select); coding-DNA position 2416, C replaced by G.
Protein change: p.Leu806Val; replaces leucine 806 with valine.
Molecular consequence: missense variant.
Genome position (GRCh38, 1-based): chr4:105,236,358, C>G. VCF-style: chr4-105236358-C-G. GRCh37 (hg19) VCF-style: chr4-106157515-C-G.
Other names: c.2416C>G, p.Leu806Val (NM_017628.4); short protein forms L806V.
Identifiers: ClinVar variation 4843483 (VCV004843483.1).

ClinVar aggregate classification (germline): Uncertain significance (1 of 4 stars; one submission).

Submission:

Ambry Genetics
Classification: Uncertain significance. Last evaluated: 2025-12-20. Review status: criteria provided, single submitter. Criteria: Ambry Variant Classification Scheme 2023. Collection method: clinical testing. Allele origin: germline.
Comment: The p.L806V variant (also known as c.2416C>G), located in coding exon 1 of the TET2 gene, results from a C to G substitution at nucleotide position 2416. The leucine at codon 806 is replaced by valine, an amino acid with highly similar properties. This amino acid position is conserved. In addition, this alteration is predicted to be tolerated by in silico analysis. Based on the available evidence, the clinical significance of this variant remains unclear.